The following is an entry in ClinVar:

ClinVar aggregate classification (germline): Uncertain significance (1 of 4 stars; one submission).

Conditions:
BDNF-related disorder. Also called: BDNF-related condition.

Submission:

PreventionGenetics, part of Exact Sciences
Classification: Uncertain significance for BDNF-related condition. Last evaluated: 2024-11-13. Review status: criteria provided, single submitter. Criteria: ACMG Guidelines, 2015. Collection method: clinical testing. Allele origin: germline.
Comment: The BDNF c.398dupC variant is predicted to result in a frameshift and premature protein termination (p.Gly134Argfs*10). To our knowledge, this variant has not been reported in the literature or in a large population database (gnomAD), indicating this variant is rare. To date, few chain-terminating variants have been reported in this gene in association with disease. At this time, the clinical significance of this variant is uncertain due to the absence of conclusive functional and genetic evidence.

NM_001709.5(BDNF):c.152dup (p.Gly52fs)

Genes: BDNF (brain derived neurotrophic factor; minus strand), BDNF-AS (BDNF antisense RNA; plus strand). Cytogenetic location: 11p14.1.
Variant type: Duplication.
Coding change: c.152dup on transcript NM_001709.5 (MANE Select); coding-DNA position 152, one base duplicated (C; older notation c.152dupC).
Protein change: p.Gly52fs; shifts the reading frame from glycine 52.
Molecular consequence: frameshift variant. On other transcripts: non-coding transcript variant (5).
Genome position (GRCh38, 1-based): chr11:27,658,413, G duplicated on the plus strand (C on the coding strand, the reverse complement: BDNF is on the minus strand). VCF-style (leftmost placement, unchanged base first): chr11-27658412-T-TG. GRCh37 (hg19) VCF-style: chr11-27679959-T-TG.
Other names: c.152dup, p.Gly52fs (NM_001143805.1, NM_001143806.1, NM_001143807.2 and 9 more transcripts); c.239dup, p.Gly81fs (NM_001143809.2); c.398dup, p.Gly134fs (NM_001143810.2); c.176dup, p.Gly60fs (NM_170731.5); c.197dup, p.Gly67fs (NM_170734.4); short protein forms G134fs, G60fs, G81fs, G67fs, G52fs.
Identifiers: ClinVar variation 5002100 (VCV005002100.1).